The following is an entry in ClinVar:

ClinVar aggregate classification (germline): Uncertain significance. Review status: criteria provided, multiple submitters, no conflicts (2 of 4 stars). 4 submissions from 4 submitters: Uncertain significance (4). Last evaluated 2025-03-19.

Conditions:
Inborn genetic diseases. Identifiers: MedGen C0950123, MeSH D030342.
Jeune thoracic dystrophy. Also called: Short-rib thoracic dysplasia; Jeune syndrome; Infantile thoracic dystrophy; Thoracic pelvic phalangeal dystrophy; Jeune's syndrome; Chondroectodermal dysplasia-like syndrome. Identifiers: Orphanet 474, MedGen C0265275, MONDO:0018770.
DYNC2H1-related disorder. Also called: DYNC2H1-related disorders; DYNC2H1-related condition. Identifiers: MedGen CN378770.

Allele frequency attached by ClinVar (database versions not stated): ExAC 0.00003; gnomAD exomes 0.00004; ESP Exome Variant Server 0.00009; 1000 Genomes Project 30x 0.00016; 1000 Genomes Project 0.00020; gnomAD 0.00027 and 0.00029; TOPMed 0.00058.
gnomAD v4.1: 72 of 1,610,312 alleles (0.0045%); highest among the groups gnomAD compares: Admixed American, 0.11%; 1 homozygote.

Submissions (4):

PreventionGenetics, part of Exact Sciences
Classification: Uncertain significance for DYNC2H1-related condition. Last evaluated: 2025-03-19. Review status: criteria provided, single submitter. Criteria: ACMG Guidelines, 2015. Collection method: clinical testing. Allele origin: germline.
Comment: The DYNC2H1 c.9123A>C variant is predicted to result in the amino acid substitution p.Arg3041Ser. To our knowledge, this variant has not been reported in the literature. This variant is reported in 0.026% of alleles in individuals of Latino descent in gnomAD. At this time, the clinical significance of this variant is uncertain due to the absence of conclusive functional and genetic evidence.

Labcorp Genetics (formerly Invitae), Labcorp
Classification: Uncertain significance for Jeune thoracic dystrophy. Last evaluated: 2022-08-07. Review status: criteria provided, single submitter. Criteria: Invitae Variant Classification Sherloc (09022015). Collection method: clinical testing. Allele origin: germline.
Comment: This sequence change replaces arginine, which is basic and polar, with serine, which is neutral and polar, at codon 3041 of the DYNC2H1 protein (p.Arg3041Ser). This variant is present in population databases (rs369837389, gnomAD 0.02%). This variant has not been reported in the literature in individuals affected with DYNC2H1-related conditions. ClinVar contains an entry for this variant (Variation ID: 1482985). Algorithms developed to predict the effect of missense changes on protein structure and function are either unavailable or do not agree on the potential impact of this missense change (SIFT: "Tolerated"; PolyPhen-2: "Possibly Damaging"; Align-GVGD: "Class C0"). In summary, the available evidence is currently insufficient to determine the role of this variant in disease. Therefore, it has been classified as a Variant of Uncertain Significance.

Ambry Genetics
Classification: Uncertain significance for Inborn genetic diseases. Last evaluated: 2021-08-04. Review status: criteria provided, single submitter. Criteria: Ambry Variant Classification Scheme 2023. Collection method: clinical testing. Allele origin: germline.

Breakthrough Genomics
Classification: Uncertain significance. Review status: criteria provided, single submitter. Criteria: ACMG Guidelines, 2015. Collection method: not provided. Allele origin: germline. Inheritance: Autosomal recessive inheritance. Affected: yes.

NM_001377.3(DYNC2H1):c.9123A>C (p.Arg3041Ser)

Gene: DYNC2H1 (dynein cytoplasmic 2 heavy chain 1; plus strand). Cytogenetic location: 11q22.3.
Variant type: single nucleotide variant.
Coding change: c.9123A>C on transcript NM_001377.3 (MANE Select); coding-DNA position 9123, A replaced by C.
Protein change: p.Arg3041Ser; replaces arginine 3041 with serine.
Molecular consequence: missense variant.
Genome position (GRCh38, 1-based): chr11:103,222,045, A>C. VCF-style: chr11-103222045-A-C. GRCh37 (hg19) VCF-style: chr11-103092774-A-C.
Other names: c.9123A>C (NM_001080463.1); c.9123A>C, p.Arg3041Ser (NM_001080463.2); short protein forms R3041S.
Identifiers: ClinVar variation 1482985 (VCV001482985.8), dbSNP rs369837389, ClinGen allele CA6254616.